The following is an entry in ClinVar:

NM_006019.4(TCIRG1):c.174_175del (p.Cys58_Glu59delinsTer)

Gene: TCIRG1 (T cell immune regulator 1, ATPase H+ transporting V0 subunit a3; plus strand). Cytogenetic location: 11q13.2.
Variant type: Microsatellite.
Coding change: c.174_175del on transcript NM_006019.4 (MANE Select); coding-DNA positions 174 to 175, 2 bases deleted (TG; older notation c.174_175delTG).
Protein change: p.Cys58_Glu59delinsTer.
Molecular consequence: nonsense. On other transcripts: 5 prime UTR variant (1).
Genome position (GRCh38, 1-based): chr11:68,041,809-68,041,810, TG deleted; deleting any 2 consecutive bases within chr11:68,041,807-68,041,810 gives the same sequence; the c. name uses the placement nearest the transcript's 3' end. VCF-style (leftmost placement, unchanged base first): chr11-68041806-CTG-C. GRCh37 (hg19) VCF-style: chr11-67809273-CTG-C.
Other names: c.-1078TG[1] (NM_001351059.2).
Identifiers: ClinVar variation 1457984 (VCV001457984.6), dbSNP rs2134432441, ClinGen allele CA2580615741.

ClinVar aggregate classification (germline): Pathogenic (1 of 4 stars; one submission).

Submission:

Labcorp Genetics (formerly Invitae), Labcorp
Classification: Pathogenic. Last evaluated: 2021-11-07. Review status: criteria provided, single submitter. Criteria: Invitae Variant Classification Sherloc (09022015). Collection method: clinical testing. Allele origin: germline.
Comment: This sequence change creates a premature translational stop signal (p.Cys58*) in the TCIRG1 gene. It is expected to result in an absent or disrupted protein product. Loss-of-function variants in TCIRG1 are known to be pathogenic (PMID: 10888887, 10942435, 11532986, 19448635). This variant is not present in population databases (gnomAD no frequency). This variant has not been reported in the literature in individuals affected with TCIRG1-related conditions. For these reasons, this variant has been classified as Pathogenic.

Literature cited by the submitters: PubMed 10888887; PubMed 10942435; PubMed 11532986; PubMed 19448635.